The following is an entry in ClinVar:

ClinVar aggregate classification (germline): Conflicting classifications of pathogenicity. Review status: criteria provided, conflicting classifications (1 of 4 stars). 4 submissions from 3 submitters: Likely pathogenic (2); Uncertain significance (2). Last evaluated 2026-04-14.

Conditions:
Familial intrahepatic cholestasis. Identifiers: Orphanet 284385, MedGen CN296401, MONDO:0017290.
Cholestasis, intrahepatic, of pregnancy, 3. Identifiers: Orphanet 69665, MedGen C3554241, MONDO:0013995, OMIM 614972.
Progressive familial intrahepatic cholestasis type 3. Also called: Low Gamma-GT Familial Intrahepatic Cholestasis; MDR3 DEFICIENCY. Identifiers: Orphanet 79305, MedGen C1865643, MONDO:0011214, OMIM 602347.

Submissions (4):

Genomenon, Inc
Classification: Uncertain significance for Familial intrahepatic cholestasis. Last evaluated: 2026-04-14. Review status: criteria provided, single submitter. Criteria: Genomenon Sequence Variant Interpretation Standards - Updated. Collection method: curation. Allele origin: germline. Affected: yes.
Comment: ABCB4 p.Ile460Phe (c.1378A>T) is a missense variant that changes the amino acid at residue 460 from Isoleucine to Phenylalanine. This variant has been observed in at least one proband with an ABCB4-related disorder (PMID:33915153). It is absent or not present at a significant frequency in gnomAD. In silico models predict that this variant is possibly or probably damaging. In conclusion, we classify ABCB4 p.Ile460Phe (c.1378A>T) as a variant of uncertain significance.

Genomic Medicine Center of Excellence, King Faisal Specialist Hospital and Research Centre
Classification: Likely pathogenic for Cholestasis, intrahepatic, of pregnancy, 3. Last evaluated: 2024-03-29. Review status: criteria provided, single submitter. Criteria: ACMG Guidelines, 2015. Collection method: clinical testing. Allele origin: germline.

Genomic Medicine Center of Excellence, King Faisal Specialist Hospital and Research Centre
Classification: Likely pathogenic for Progressive familial intrahepatic cholestasis type 3. Last evaluated: 2023-05-08. Review status: criteria provided, single submitter. Criteria: ACMG Guidelines, 2015. Collection method: research. Allele origin: germline. Affected: yes.

Eurofins Ntd Llc (ga)
Classification: Uncertain significance. Last evaluated: 2017-11-20. Review status: criteria provided, single submitter. Criteria: EGL Classification Definitions 2015. Collection method: clinical testing. Allele origin: germline. Observed: 3 variant alleles, 3 homozygotes.

Literature cited by the submitters: PubMed 33915153 (cited by Genomenon, Inc).

NM_000443.4(ABCB4):c.1378A>T (p.Ile460Phe)

Gene: ABCB4 (ATP binding cassette subfamily B member 4; minus strand). Cytogenetic location: 7q21.12.
Variant type: single nucleotide variant.
Coding change: c.1378A>T on transcript NM_000443.4 (MANE Select); coding-DNA position 1378, A replaced by T.
Protein change: p.Ile460Phe; replaces isoleucine 460 with phenylalanine.
Molecular consequence: missense variant.
Genome position (GRCh38, 1-based): chr7:87,440,381, T>A on the plus strand (A>T on the coding strand, the complement: ABCB4 is on the minus strand). VCF-style: chr7-87440381-T-A. GRCh37 (hg19) VCF-style: chr7-87069697-T-A.
Other names: c.1378A>T, p.Ile460Phe (NM_018849.3, NM_018850.3); short protein forms I460F.
Identifiers: ClinVar variation 595095 (VCV000595095.8), dbSNP rs1562976422, ClinGen allele CA368042873.